The following is an entry in ClinVar:

ClinVar aggregate classification (germline): Benign/Likely benign. Review status: criteria provided, multiple submitters, no conflicts (2 of 4 stars). 13 submissions from 13 submitters: Benign (6); Likely benign (4). 3 of the submissions do not count toward it. Last evaluated 2026-09-01.

Conditions:
Amyotrophic lateral sclerosis type 6. Also called: Amyotrophic lateral sclerosis 6, with or without frontotemporal dementia; FUS-Related Amyotrophic Laterial Sclerosis; AMYOTROPHIC LATERAL SCLEROSIS 6 WITHOUT FRONTOTEMPORAL DEMENTIA. Identifiers: Orphanet 275872, Orphanet 803, MedGen C2931786, MONDO:0011951, OMIM 608030.
Inborn genetic diseases. Identifiers: MedGen C0950123, MeSH D030342.
Tremor, hereditary essential, 4 (ETM4). Identifiers: MedGen C3539195, MONDO:0013888, OMIM 614782.

Allele frequency attached by ClinVar (database versions not stated): 1000 Genomes Project 0.00080; gnomAD 0.00095 and 0.00101; 1000 Genomes Project 30x 0.00109; TOPMed 0.00120; ExAC 0.00124; gnomAD exomes 0.00131 and 0.00184; ESP Exome Variant Server 0.00139.
gnomAD v4.1: 2,801 of 1,613,152 alleles (0.17%); highest among the groups gnomAD compares: South Asian, 0.35%; 8 homozygotes.

Submissions (13):

CeGaT Center for Human Genetics Tuebingen
Classification: Likely benign. Last evaluated: 2026-09-01. Review status: criteria provided, single submitter. Criteria: CeGaT Center For Human Genetics Tuebingen Variant Classification Criteria Version 2. Collection method: clinical testing. Allele origin: germline. Affected: yes. Observed: 8 variant alleles.
Comment: FUS: BP4, BP7

Labcorp Genetics (formerly Invitae), Labcorp
Classification: Benign for Tremor, hereditary essential, 4; Amyotrophic lateral sclerosis type 6. Last evaluated: 2026-01-12. Review status: criteria provided, single submitter. Criteria: Invitae Variant Classification Sherloc (09022015). Collection method: clinical testing. Allele origin: germline.

Blueprint Genetics
Classification: Likely benign. Last evaluated: 2024-11-22. Review status: criteria provided, single submitter. Criteria: ACMG Guidelines, 2015. Collection method: clinical testing. Allele origin: germline.

Mayo Clinic Laboratories, Mayo Clinic
Classification: Benign. Last evaluated: 2023-07-12. Review status: criteria provided, single submitter. Criteria: ACMG Guidelines, 2015. Collection method: clinical testing. Allele origin: germline. Observed: 7 variant alleles.
Comment: BS1, BS2, BP4, BP7

Ambry Genetics
Classification: Likely benign for Inborn genetic diseases. Last evaluated: 2022-04-09. Review status: criteria provided, single submitter. Criteria: Ambry Variant Classification Scheme 2023. Collection method: clinical testing. Allele origin: germline.

Genome-Nilou Lab
Classification: Benign for Tremor, hereditary essential, 4. Last evaluated: 2021-08-10. Review status: criteria provided, single submitter. Criteria: ACMG Guidelines, 2015. Collection method: clinical testing. Allele origin: germline. Affected: no.

GeneDx
Classification: Benign. Last evaluated: 2021-06-18. Review status: criteria provided, single submitter. Criteria: GeneDx Variant Classification Process June 2021. Collection method: clinical testing. Allele origin: germline. Affected: yes.
Comment: This variant is associated with the following publications: (PMID: 26176978, 22292843, 25585530, 19861302, 26725112, 20138404, 21261515, 29670510)

Illumina Laboratory Services, Illumina
Classification: Benign for Amyotrophic lateral sclerosis type 6. Last evaluated: 2018-01-13. Review status: criteria provided, single submitter. Criteria: ICSL Variant Classification Criteria 13 December 2019. Collection method: clinical testing. Allele origin: germline.
Comment: This variant was observed in the ICSL laboratory as part of a predisposition screen in an ostensibly healthy population. It had not been previously curated by ICSL or reported in the Human Gene Mutation Database (HGMD: prior to June 1st, 2018), and was therefore a candidate for classification through an automated scoring system. Utilizing variant allele frequency, disease prevalence and penetrance estimates, and inheritance mode, an automated score was calculated to assess if this variant is too frequent to cause the disease. Based on the score and internal cut-off values, a variant classified as benign is not then subjected to further curation. The score for this variant resulted in a classification of benign for this disease.

Athena Diagnostics
Classification: Benign. Last evaluated: 2017-12-13. Review status: criteria provided, single submitter. Criteria: Athena Diagnostics Criteria. Collection method: clinical testing. Allele origin: germline.

Breakthrough Genomics
Classification: Likely benign. Review status: criteria provided, single submitter. Criteria: ACMG Guidelines, 2015. Collection method: not provided. Allele origin: germline. Inheritance: Autosomal dominant inheritance. Affected: yes.

Clinical Genetics DNA and cytogenetics Diagnostics Lab, Erasmus MC, Erasmus Medical Center
Classification: Likely benign. Review status: no assertion criteria provided. Collection method: clinical testing. Allele origin: germline. Affected: yes. Study: VKGL Data-share Consensus. Not counted in ClinVar's aggregate classification.

Genome Diagnostics Laboratory, Amsterdam University Medical Center
Classification: Likely benign. Review status: no assertion criteria provided. Collection method: clinical testing. Allele origin: germline. Affected: yes. Study: VKGL Data-share Consensus. Not counted in ClinVar's aggregate classification.

Genome Diagnostics Laboratory, University Medical Center Utrecht
Classification: Likely benign. Review status: no assertion criteria provided. Collection method: clinical testing. Allele origin: germline. Affected: yes. Study: VKGL Data-share Consensus. Not counted in ClinVar's aggregate classification.

Literature cited by the submitters: PubMed 19741215 (cited by Athena Diagnostics); PubMed 19861302 (cited by Athena Diagnostics); PubMed 20018407 (cited by Athena Diagnostics); PubMed 20142531 (cited by Athena Diagnostics); PubMed 21158017 (cited by Athena Diagnostics); PubMed 21261515 (cited by Athena Diagnostics); PubMed 20138404 (cited by Athena Diagnostics); PubMed 26725112 (cited by Athena Diagnostics); PubMed 23834483 (cited by Athena Diagnostics); PubMed 22292843 (cited by Athena Diagnostics); PubMed 25585530 (cited by Athena Diagnostics); PubMed 21943958 (cited by Athena Diagnostics).

NM_004960.4(FUS):c.1566G>A (p.Arg522=)

Gene: FUS (FUS DNA/RNA binding protein; plus strand). Cytogenetic location: 16p11.2.
Variant type: single nucleotide variant.
Coding change: c.1566G>A on transcript NM_004960.4 (MANE Select); coding-DNA position 1566, G replaced by A.
Protein change: p.Arg522=; no amino-acid change (arginine 522 retained).
Molecular consequence: synonymous variant. On other transcripts: non-coding transcript variant (1).
Genome position (GRCh38, 1-based): chr16:31,191,423, G>A. VCF-style: chr16-31191423-G-A. GRCh37 (hg19) VCF-style: chr16-31202744-G-A.
Other names: p.Arg522=; c.1563G>A, p.Arg521= (NM_001170634.1); c.1554G>A, p.Arg518= (NM_001170937.1).
Identifiers: ClinVar variation 540280 (VCV000540280.57), dbSNP rs138901914, ClinGen allele CA8024119.